The following is an entry in ClinVar:

NM_000685.5(AGTR1):c.208T>A (p.Leu70Ile)

Gene: AGTR1 (angiotensin II receptor type 1; plus strand). Cytogenetic location: 3q24.
Variant type: single nucleotide variant.
Coding change: c.208T>A on transcript NM_000685.5 (MANE Select); coding-DNA position 208, T replaced by A.
Protein change: p.Leu70Ile; replaces leucine 70 with isoleucine.
Molecular consequence: missense variant.
Genome position (GRCh38, 1-based): chr3:148,741,243, T>A. VCF-style: chr3-148741243-T-A. GRCh37 (hg19) VCF-style: chr3-148459030-T-A.
Other names: c.208T>A, p.Leu70Ile (NM_001382736.1, NM_001382737.1, NM_004835.5 and 3 more transcripts); c.208T>A (NM_031850.2); short protein forms L70I.
Identifiers: ClinVar variation 1448934 (VCV001448934.8), dbSNP rs753149496, ClinGen allele CA2657288.

ClinVar aggregate classification (germline): Uncertain significance. Review status: criteria provided, multiple submitters, no conflicts (2 of 4 stars). 2 submissions from 2 submitters: Uncertain significance (2). Last evaluated 2025-10-18.

Conditions:
Inborn genetic diseases. Identifiers: MedGen C0950123, MeSH D030342.

Allele frequency attached by ClinVar (database versions not stated): ExAC 0.00002; gnomAD 0.00003 and 0.00004; gnomAD exomes 0.00003; TOPMed 0.00003.
gnomAD v4.1: 52 of 1,613,952 alleles (0.0032%); highest among the groups gnomAD compares: Admixed American, 0.0067%; no homozygotes.

Submissions (2):

Ambry Genetics
Classification: Uncertain significance for Inborn genetic diseases. Last evaluated: 2025-10-18. Review status: criteria provided, single submitter. Criteria: Ambry Variant Classification Scheme 2023. Collection method: clinical testing. Allele origin: germline.

Labcorp Genetics (formerly Invitae), Labcorp
Classification: Uncertain significance. Last evaluated: 2022-02-08. Review status: criteria provided, single submitter. Criteria: Invitae Variant Classification Sherloc (09022015). Collection method: clinical testing. Allele origin: germline.
Comment: Algorithms developed to predict the effect of missense changes on protein structure and function are either unavailable or do not agree on the potential impact of this missense change (SIFT: "Deleterious"; PolyPhen-2: "Not Available"; Align-GVGD: "Class C0"). This sequence change replaces leucine, which is neutral and non-polar, with isoleucine, which is neutral and non-polar, at codon 105 of the AGTR1 protein (p.Leu105Ile). This variant is present in population databases (rs753149496, gnomAD 0.006%). This variant has not been reported in the literature in individuals affected with AGTR1-related conditions. In summary, the available evidence is currently insufficient to determine the role of this variant in disease. Therefore, it has been classified as a Variant of Uncertain Significance.